The following is an entry in ClinVar:

NM_001370466.1(NOD2):c.1900G>C (p.Ala634Pro)

Gene: NOD2 (nucleotide binding oligomerization domain containing 2; plus strand). Cytogenetic location: 16q12.1.
Variant type: single nucleotide variant.
Coding change: c.1900G>C on transcript NM_001370466.1 (MANE Select); coding-DNA position 1900, G replaced by C.
Protein change: p.Ala634Pro; replaces alanine 634 with proline.
Molecular consequence: missense variant. On other transcripts: non-coding transcript variant (1).
Genome position (GRCh38, 1-based): chr16:50,711,892, G>C. VCF-style: chr16-50711892-G-C. GRCh37 (hg19) VCF-style: chr16-50745803-G-C.
Other names: c.1900G>C, p.Ala634Pro (NM_001293557.2); c.1981G>C, p.Ala661Pro (NM_022162.3); c.1981G>C (LRG_177t1); short protein forms A661P, A634P.
Identifiers: ClinVar variation 319455 (VCV000319455.14), dbSNP rs369957746, ClinGen allele CA8051663.

ClinVar aggregate classification (germline): Conflicting classifications of pathogenicity. Review status: criteria provided, conflicting classifications (1 of 4 stars). 3 submissions from 2 submitters: Uncertain significance (2); Benign (1). Last evaluated 2025-09-24.

Conditions:
Regional enteritis. Also called: Enteritis, Granulomatous. Identifiers: MedGen C0678202, MeSH D003424.
Blau syndrome (BLAUS). Also called: ARTHROCUTANEOUVEAL GRANULOMATOSIS; GRANULOMATOSIS, FAMILIAL JUVENILE SYSTEMIC; GRANULOMATOSIS, FAMILIAL, BLAU TYPE; GRANULOMATOUS INFLAMMATORY ARTHRITIS, DERMATITIS, AND UVEITIS, FAMILIAL; JABS SYNDROME. Identifiers: Orphanet 90340, MedGen C5201146, MONDO:0008523, OMIM 186580.
Inflammatory bowel disease 1 (IBD1). Also called: Inflammatory bowel disease 1, Crohn disease; INFLAMMATORY BOWEL DISEASE (CROHN DISEASE) 1. Identifiers: MedGen CN260071, MONDO:0009960, OMIM 266600.

Allele frequency attached by ClinVar (database versions not stated): gnomAD 0.00001; gnomAD exomes 0.00002 and 0.00008; TOPMed 0.00005; ExAC 0.00007.
gnomAD v4.1: 36 of 1,608,514 alleles (0.0022%); highest among the groups gnomAD compares: East Asian, 0.056%; no homozygotes.

Submissions (3):

Labcorp Genetics (formerly Invitae), Labcorp
Classification: Uncertain significance for Regional enteritis; Blau syndrome. Last evaluated: 2025-09-24. Review status: criteria provided, single submitter. Criteria: Invitae Variant Classification Sherloc (09022015). Collection method: clinical testing. Allele origin: germline.
Comment: This sequence change replaces alanine, which is neutral and non-polar, with proline, which is neutral and non-polar, at codon 661 of the NOD2 protein (p.Ala661Pro). The frequency data for this variant in the population databases is considered unreliable, as metrics indicate poor data quality at this position in the gnomAD database. This variant has not been reported in the literature in individuals affected with NOD2-related conditions. ClinVar contains an entry for this variant (Variation ID: 319455). Invitae Evidence Modeling of protein sequence and biophysical properties (such as structural, functional, and spatial information, amino acid conservation, physicochemical variation, residue mobility, and thermodynamic stability) indicates that this missense variant is not expected to disrupt NOD2 protein function with a negative predictive value of 95%. In summary, the available evidence is currently insufficient to determine the role of this variant in disease. Therefore, it has been classified as a Variant of Uncertain Significance.

Illumina Laboratory Services, Illumina
Classification: Benign for Blau syndrome. Last evaluated: 2018-01-13. Review status: criteria provided, single submitter. Criteria: ICSL Variant Classification Criteria 13 December 2019. Collection method: clinical testing. Allele origin: germline.
Comment: This variant was observed in the ICSL laboratory as part of a predisposition screen in an ostensibly healthy population. It had not been previously curated by ICSL or reported in the Human Gene Mutation Database (HGMD: prior to June 1st, 2018), and was therefore a candidate for classification through an automated scoring system. Utilizing variant allele frequency, disease prevalence and penetrance estimates, and inheritance mode, an automated score was calculated to assess if this variant is too frequent to cause the disease. Based on the score and internal cut-off values, a variant classified as benign is not then subjected to further curation. The score for this variant resulted in a classification of benign for this disease.

Illumina Laboratory Services, Illumina
Classification: Uncertain significance for Inflammatory bowel disease 1. Last evaluated: 2018-01-13. Review status: criteria provided, single submitter. Criteria: ICSL Variant Classification Criteria 13 December 2019. Collection method: clinical testing. Allele origin: germline.